The following is an entry in ClinVar:

ClinVar aggregate classification (germline): Uncertain significance (1 of 4 stars; one submission).

Conditions:
Cardiovascular phenotype. Identifiers: MedGen CN230736.

Allele frequency attached by ClinVar (database versions not stated): ExAC 0.00001; gnomAD exomes 0.00002; gnomAD 0.00003; TOPMed 0.00003.

Submission:

Ambry Genetics
Classification: Uncertain significance for Cardiovascular phenotype. Last evaluated: 2025-06-20. Review status: criteria provided, single submitter. Criteria: Ambry Variant Classification Scheme 2023. Collection method: clinical testing. Allele origin: germline.
Comment: The p.V1137E variant (also known as c.3410T>A), located in coding exon 19 of the SCN10A gene, results from a T to A substitution at nucleotide position 3410. The valine at codon 1137 is replaced by glutamic acid, an amino acid with dissimilar properties. This amino acid position is poorly conserved in available vertebrate species. In addition, this alteration is predicted to be tolerated by in silico analysis. Since supporting evidence is limited at this time, the clinical significance of this alteration remains unclear.

NM_006514.4(SCN10A):c.3410T>A (p.Val1137Glu)

Genes: SCN10A (sodium voltage-gated channel alpha subunit 10; minus strand), LOC110121288 (VISTA enhancer hs2268; plus strand). Cytogenetic location: 3p22.2.
Variant type: single nucleotide variant.
Coding change: c.3410T>A on transcript NM_006514.4 (MANE Select); coding-DNA position 3410, T replaced by A.
Protein change: p.Val1137Glu; replaces valine 1137 with glutamic acid.
Molecular consequence: missense variant.
Genome position (GRCh38, 1-based): chr3:38,722,355, A>T on the plus strand (T>A on the coding strand, the complement: SCN10A is on the minus strand). VCF-style: chr3-38722355-A-T. GRCh37 (hg19) VCF-style: chr3-38763846-A-T.
Other names: c.3407T>A, p.Val1136Glu (NM_001293306.2); c.3116T>A, p.Val1039Glu (NM_001293307.2); short protein forms V1136E, V1137E, V1039E.
Identifiers: ClinVar variation 1731170 (VCV001731170.3), dbSNP rs745599005, ClinGen allele CA2320243.